The following is an entry in ClinVar:

ClinVar aggregate classification (germline): Benign/Likely benign. Review status: criteria provided, multiple submitters, no conflicts (2 of 4 stars). 5 submissions from 5 submitters: Benign (2); Likely benign (1). 2 of the submissions do not count toward it. Last evaluated 2025-11-14.

Conditions:
IDS-related disorder. Also called: IDS-related condition.
Mucopolysaccharidosis, MPS-III-A (MPS3A). Also called: HEPARAN SULFATE SULFATASE DEFICIENCY; SANFILIPPO SYNDROME A; SULFAMIDASE DEFICIENCY; MPS III A; Mucopolysaccharidosis, type IIIA; mucopolysaccharidosis type 3A. Identifiers: Orphanet 581, Orphanet 79269, MedGen C0086647, MONDO:0009655, OMIM 252900.

Submissions (5):

Women's Health and Genetics/Laboratory Corporation of America, LabCorp
Classification: Benign. Last evaluated: 2025-11-14. Review status: criteria provided, single submitter. Criteria: LabCorp Variant Classification Summary - May 2015. Collection method: clinical testing. Allele origin: germline.
Comment: Variant summary: IDS c.709-661delT is located at a position not widely known to affect splicing. The variant allele was found at a frequency of 0.021 in 102540 control chromosomes in the gnomAD database, including 66 homozygotes. The observed variant frequency exceeds the estimated maximal expected allele frequency for disease-causing variants in IDS. To our knowledge, no occurrence of c.709-661delT in individuals affected with IDS-related conditions and no experimental evidence demonstrating its impact on protein function have been reported. ClinVar contains an entry for this variant (Variation ID: 1275894). Based on the evidence outlined above, the variant was classified as benign.

Blueprint Genetics
Classification: Likely benign. Last evaluated: 2024-11-27. Review status: criteria provided, single submitter. Criteria: ACMG Guidelines, 2015. Collection method: clinical testing. Allele origin: germline.

GeneDx
Classification: Benign. Last evaluated: 2020-02-01. Review status: criteria provided, single submitter. Criteria: GeneDx Variant Classification Process June 2021. Collection method: clinical testing. Allele origin: germline. Affected: yes.

Natera, Inc.
Classification: Benign for Mucopolysaccharidosis type IIIA. Last evaluated: 2019-09-27. Review status: no assertion criteria provided. Collection method: clinical testing. Allele origin: germline. Not counted in ClinVar's aggregate classification.

PreventionGenetics, part of Exact Sciences
Classification: Benign for IDS-related condition. Last evaluated: 2019-09-17. Review status: no assertion criteria provided. Collection method: clinical testing. Allele origin: germline. Not counted in ClinVar's aggregate classification.
Comment: This variant is classified as benign based on ACMG/AMP sequence variant interpretation guidelines (Richards et al. 2015 PMID: 25741868, with internal and published modifications).

NM_000202.8(IDS):c.709-661del

Genes: IDS (iduronate 2-sulfatase; minus strand), LOC106050102 (IDS recombination region; plus strand). Cytogenetic location: Xq28.
Variant type: Deletion.
Coding change: c.709-661del on transcript NM_000202.8 (MANE Select); 661 bases into the intron before coding-DNA position 709, one base deleted (T; older notation c.709-661delT).
Molecular consequence: intron variant.
Genome position (GRCh38, 1-based): chrX:149,497,177, A deleted on the plus strand (T on the coding strand, the reverse complement: IDS is on the minus strand); the first of 11 consecutive A bases (chrX:149,497,177-149,497,187); deleting any one gives the same sequence. VCF-style (leftmost placement, unchanged base first): chrX-149497176-GA-G. GRCh37 (hg19) VCF-style: chrX-148578707-GA-G.
Other names: c.439-661del (NM_001166550.4); c.709-661del (NM_006123.5); c.709-661delT (NM_000202.7, NM_000202.8).
Identifiers: ClinVar variation 1275894 (VCV001275894.6), dbSNP rs1196180401, ClinGen allele CA645070065.
Genomic context (GRCh38, chrX:149,497,176, plus strand): 5'-ATTTGGGGCTGGTCAGGTAGGTACTATCTGTCTGGAACATATCAAAATTCCAGGCTCCCA[GA>G]AAAAAAAAAACAAACCCAGGGGTTTATCATCAACCATAATGTTTGTCTAAACGGTTTAAG-3'